The following is an entry in ClinVar:

NM_004006.3(DMD):c.1270del (p.Gln423_Met424insTer)

Gene: DMD (dystrophin; minus strand). Cytogenetic location: Xp21.1.
Variant type: Deletion.
Coding change: c.1270del on transcript NM_004006.3 (MANE Select); coding-DNA position 1270, one base deleted (A; older notation c.1270delA).
Protein change: p.Gln423_Met424insTer.
Molecular consequence: nonsense.
Genome position (GRCh38, 1-based): chrX:32,644,193, T deleted on the plus strand (A on the coding strand, the reverse complement: DMD is on the minus strand). VCF-style (leftmost placement, unchanged base first): chrX-32644192-AT-A. GRCh37 (hg19) VCF-style: chrX-32662309-AT-A.
Other names: c.1246del, p.Gln415_Met416insTer (NM_000109.4); c.1258del, p.Gln419_Met420insTer (NM_004009.3); c.901del, p.Gln300_Met301insTer (NM_004010.3); c.1270delA (NM_004006.2).
Identifiers: ClinVar variation 817581 (VCV000817581.5), dbSNP rs1602459861, ClinGen allele CA915950935.

ClinVar aggregate classification (germline): Pathogenic/Likely pathogenic. Review status: criteria provided, multiple submitters, no conflicts (2 of 4 stars). 2 submissions from 2 submitters: Pathogenic (1); Likely pathogenic (1). Last evaluated 2022-01-28.

Submissions (2):

Revvity Omics, Revvity
Classification: Likely pathogenic. Last evaluated: 2022-01-28. Review status: criteria provided, single submitter. Criteria: ACMG Guidelines, 2015. Collection method: clinical testing. Allele origin: germline.

GeneDx
Classification: Pathogenic. Last evaluated: 2019-01-31. Review status: criteria provided, single submitter. Criteria: GeneDx Variant Classification (06012015). Collection method: clinical testing. Allele origin: germline. Affected: yes.
Comment: The c.1270delA variant is not observed in large population cohorts (Lek et al., 2016). This deletion causes a frameshift starting with codon Methionine 424 and changes this amino acid to a premature Stop codon, denoted p.Met424Ter. This variant is predicted to cause loss of normal protein function either through protein truncation or nonsense-mediated mRNA decay. Although c.1270delA has not been previously reported to our knowledge, other loss-of-function variants have been reported in the Human Gene Mutation Database in association with dystrophinopathies (Stenson et al., 2014).